The following is an entry in ClinVar:

NM_030624.3(KLHL15):c.1557del (p.Asp520fs)

Gene: KLHL15 (kelch like family member 15; minus strand). Cytogenetic location: Xp22.11.
Variant type: Deletion.
Coding change: c.1557del on transcript NM_030624.3 (MANE Select); coding-DNA position 1557, one base deleted (T; older notation c.1557delT).
Protein change: p.Asp520fs; shifts the reading frame from aspartic acid 520.
Molecular consequence: frameshift variant.
Genome position (GRCh38, 1-based): chrX:23,988,179, A deleted on the plus strand (T on the coding strand, the reverse complement: KLHL15 is on the minus strand). VCF-style (leftmost placement, unchanged base first): chrX-23988178-CA-C. GRCh37 (hg19) VCF-style: chrX-24006295-CA-C.
Other names: short protein forms D520fs.
Identifiers: ClinVar variation 5007544 (VCV005007544.2).
Genomic context (GRCh38, chrX:23,988,178, plus strand): 5'-GCACAGTCACACCATGGCCACTTCTACCAATCGGCATGGATGCCAAGATGGTCCACTGAT[CA>C]GTCTCTGGGTTGTATACTTCTGTAGAAGGGCATCCCTGAGATTCGAAAGAGGCCCTCAAG-3'

ClinVar aggregate classification (germline): Uncertain significance (1 of 4 stars; one submission).

Conditions:
Intellectual developmental disorder, X-linked 103. Also called: Intellectual disability, X-linked 103. Identifiers: MedGen C4310818, MONDO:0010508, OMIM 300982.

Submission:

Juno Genomics, Hangzhou Juno Genomics, Inc
Classification: Uncertain significance for Intellectual developmental disorder, X-linked 103. Review status: criteria provided, single submitter. Criteria: ACMG Guidelines, 2015. Collection method: clinical testing. Allele origin: germline.
Comment: Absent from controls (or at extremely low frequency if recessive) in Genome Aggregation Database.